The following is an entry in ClinVar:

ClinVar aggregate classification (germline): Uncertain significance. Review status: criteria provided, multiple submitters, no conflicts (2 of 4 stars). 2 submissions from 2 submitters: Uncertain significance (2). Last evaluated 2024-12-08.

Conditions:
Inborn genetic diseases. Identifiers: MedGen C0950123, MeSH D030342.

gnomAD v4.1: 13 of 1,614,152 alleles (0.00081%); highest among the groups gnomAD compares: East Asian, 0.016%; no homozygotes.

Submissions (2):

Ambry Genetics
Classification: Uncertain significance for Inborn genetic diseases. Last evaluated: 2024-12-08. Review status: criteria provided, single submitter. Criteria: Ambry Variant Classification Scheme 2023. Collection method: clinical testing. Allele origin: germline.
Comment: The p.T454M variant (also known as c.1361C>T), located in coding exon 8 of the MECOM gene, results from a C to T substitution at nucleotide position 1361. The threonine at codon 454 is replaced by methionine, an amino acid with similar properties. This amino acid position is conserved. In addition, this alteration is predicted to be tolerated by in silico analysis. Based on the available evidence, the clinical significance of this variant remains unclear.

Labcorp Genetics (formerly Invitae), Labcorp
Classification: Uncertain significance. Last evaluated: 2024-08-07. Review status: criteria provided, single submitter. Criteria: Invitae Variant Classification Sherloc (09022015). Collection method: clinical testing. Allele origin: germline.
Comment: This sequence change replaces threonine, which is neutral and polar, with methionine, which is neutral and non-polar, at codon 266 of the MECOM protein (p.Thr266Met). This variant is present in population databases (rs768521397, gnomAD 0.02%). This variant has not been reported in the literature in individuals affected with MECOM-related conditions. ClinVar contains an entry for this variant (Variation ID: 2508402). An algorithm developed to predict the effect of missense changes on protein structure and function (PolyPhen-2) suggests that this variant is likely to be tolerated. In summary, the available evidence is currently insufficient to determine the role of this variant in disease. Therefore, it has been classified as a Variant of Uncertain Significance.

NM_004991.4(MECOM):c.1361C>T (p.Thr454Met)

Gene: MECOM (MDS1 and EVI1 complex locus; minus strand). Cytogenetic location: 3q26.2.
Variant type: single nucleotide variant.
Coding change: c.1361C>T on transcript NM_004991.4 (MANE Select); coding-DNA position 1361, C replaced by T.
Protein change: p.Thr454Met; replaces threonine 454 with methionine.
Molecular consequence: missense variant. On other transcripts: intron variant (2).
Genome position (GRCh38, 1-based): chr3:169,116,511, G>A on the plus strand (C>T on the coding strand, the complement: MECOM is on the minus strand). VCF-style: chr3-169116511-G-A. GRCh37 (hg19) VCF-style: chr3-168834299-G-A.
Other names: c.797C>T, p.Thr266Met (NM_001205194.2, NM_001366469.2, NM_001366471.2 and 4 more transcripts); c.1361C>T, p.Thr454Met (NM_001366466.2); c.800C>T, p.Thr267Met (NM_001366467.2, NM_001366468.2, NM_001366470.2 and 1 more transcripts); c.1133-744C>T (NM_001366473.2); c.569-744C>T (NM_001366474.2); c.992C>T, p.Thr331Met (NM_001105077.4); short protein forms T266M, T331M, T454M, T267M.
Identifiers: ClinVar variation 2508402 (VCV002508402.6), dbSNP rs768521397, ClinGen allele CA2696353.